The following is an entry in ClinVar:

ClinVar aggregate classification (germline): Benign (1 of 4 stars; one submission).

Conditions:
Leigh syndrome (NULS). Also called: Leigh's necrotizing encephalopathy; Leigh's disease; Leigh Syndrome (mtDNA deletion); Leigh Disease; Subacute necrotizing encephalopathy; Necrotizing encephalopathy infantile subacute of Leigh. Identifiers: Orphanet 506, MedGen C2931891, MONDO:0009723, OMIM 256000.

Submission:

Wong Mito Lab, Molecular and Human Genetics, Baylor College of Medicine
Classification: Benign for Leigh syndrome. Last evaluated: 2019-10-17. Review status: criteria provided, single submitter. Criteria: Modified ACMG Guidelines (Unpublished). Collection method: clinical testing. Allele origin: germline.
Comment: The NC_012920.1:m.7245A>G (YP_003024028.1:p.Thr448Ala) variant in MTCO1 gene is interpretated to be a Benign variant based on the modified ACMG guidelines (unpublished). This variant meets the following evidence codes: BS1, BS2

NC_012920.1(MT-CO1):m.7245A>G

Gene: MT-CO1 (mitochondrially encoded cytochrome c oxidase I; plus strand).
Variant type: single nucleotide variant.
Genome position: chrM-7245-A-G.
Identifiers: ClinVar variation 692719 (VCV000692719.1), dbSNP rs1556423253, ClinGen allele CA414792058.